The following is an entry in ClinVar:

ClinVar aggregate classification (germline): Likely benign. Review status: criteria provided, multiple submitters, no conflicts (2 of 4 stars). 2 submissions from 2 submitters: Likely benign (2). Last evaluated 2026-03-10.

Conditions:
Hereditary cancer-predisposing syndrome. Also called: Hereditary Cancer Syndrome; Neoplastic Syndromes, Hereditary; Tumor predisposition; Hereditary neoplastic syndrome. Identifiers: Orphanet 140162, MedGen C0027672, MeSH D009386, MONDO:0015356.

Submissions (2):

Ambry Genetics
Classification: Likely benign for Hereditary cancer-predisposing syndrome. Last evaluated: 2026-03-10. Review status: criteria provided, single submitter. Criteria: Ambry Variant Classification Scheme 2023. Collection method: clinical testing. Allele origin: germline.

CeGaT Center for Human Genetics Tuebingen
Classification: Likely benign. Last evaluated: 2025-08-01. Review status: criteria provided, single submitter. Criteria: CeGaT Center For Human Genetics Tuebingen Variant Classification Criteria Version 2. Collection method: clinical testing. Allele origin: germline. Affected: yes. Observed: 1 variant allele.
Comment: SUFU: PM2:Supporting, BP4, BP7

NM_016169.4(SUFU):c.810T>C (p.Ser270=)

Gene: SUFU (SUFU negative regulator of hedgehog signaling; plus strand). Cytogenetic location: 10q24.32.
Variant type: single nucleotide variant.
Coding change: c.810T>C on transcript NM_016169.4 (MANE Select); coding-DNA position 810, T replaced by C.
Protein change: p.Ser270=; no amino-acid change (serine 270 retained).
Molecular consequence: synonymous variant.
Genome position (GRCh38, 1-based): chr10:102,597,193, T>C. VCF-style: chr10-102597193-T-C. GRCh37 (hg19) VCF-style: chr10-104356950-T-C.
Other names: c.810T>C, p.Ser270= (NM_001178133.2).
Identifiers: ClinVar variation 4085737 (VCV004085737.8).